The following is an entry in ClinVar:

ClinVar aggregate classification (germline): Uncertain significance (1 of 4 stars; one submission).

Conditions:
Cardiovascular phenotype. Identifiers: MedGen CN230736.

Allele frequency attached by ClinVar (database versions not stated): ExAC 0.00002.
gnomAD v4.1: 11 of 1,614,232 alleles (0.00068%); highest among the groups gnomAD compares: South Asian, 0.012%; no homozygotes.

Submission:

Ambry Genetics
Classification: Uncertain significance for Cardiovascular phenotype. Last evaluated: 2023-12-30. Review status: criteria provided, single submitter. Criteria: Ambry Variant Classification Scheme 2023. Collection method: clinical testing. Allele origin: germline.
Comment: The p.I509M variant (also known as c.1527C>G), located in coding exon 11 of the ABCG8 gene, results from a C to G substitution at nucleotide position 1527. The isoleucine at codon 509 is replaced by methionine, an amino acid with highly similar properties. This amino acid position is conserved. In addition, this alteration is predicted to be tolerated by in silico analysis. Since supporting evidence is limited at this time, the clinical significance of this alteration remains unclear.

NM_022437.3(ABCG8):c.1527C>G (p.Ile509Met)

Gene: ABCG8 (ATP binding cassette subfamily G member 8; plus strand). Cytogenetic location: 2p21.
Variant type: single nucleotide variant.
Coding change: c.1527C>G on transcript NM_022437.3 (MANE Select); coding-DNA position 1527, C replaced by G.
Protein change: p.Ile509Met; replaces isoleucine 509 with methionine.
Molecular consequence: missense variant.
Genome position (GRCh38, 1-based): chr2:43,875,184, C>G. VCF-style: chr2-43875184-C-G. GRCh37 (hg19) VCF-style: chr2-44102323-C-G.
Other names: c.1524C>G, p.Ile508Met (NM_001357321.2); short protein forms I508M, I509M.
Identifiers: ClinVar variation 3227772 (VCV003227772.1), dbSNP rs762541635, ClinGen allele CA1637534.
Genomic context (GRCh38, chr2:43,875,184, plus strand): 5'-TTGCAAGGGCTGTTCTTTGCAGATCCTCGGGGAGCTTCCGGAGCACTGTGCCTACATCAT[C>G]ATCTACGGGATGCCCACCTACTGGCTGGCCAACCTGAGGCCAGGCCTCCAGCCCTTCCTG-3'
Protein context (NP_071882.1, residues 499-519): GELPEHCAYI[Ile509Met]IYGMPTYWLA